The following is an entry in ClinVar:

NM_015274.3(MAN2B2):c.728A>C (p.Gln243Pro)

Gene: MAN2B2 (mannosidase alpha class 2B member 2; plus strand). Cytogenetic location: 4p16.1.
Variant type: single nucleotide variant.
Coding change: c.728A>C on transcript NM_015274.3 (MANE Select); coding-DNA position 728, A replaced by C.
Protein change: p.Gln243Pro; replaces glutamine 243 with proline.
Molecular consequence: missense variant.
Genome position (GRCh38, 1-based): chr4:6,593,220, A>C. VCF-style: chr4-6593220-A-C. GRCh37 (hg19) VCF-style: chr4-6594947-A-C.
Other names: p.Gln243Pro; c.728A>C, p.Gln243Pro (NM_001292038.2); short protein forms Q243P.
Identifiers: ClinVar variation 2688006 (VCV002688006.4), dbSNP rs2301796, ClinGen allele CA2840665.

ClinVar aggregate classification (germline): Benign/Likely benign. Review status: criteria provided, multiple submitters, no conflicts (2 of 4 stars). 3 submissions from 3 submitters: Benign (2); Likely benign (1). Last evaluated 2026-01-21.

Allele frequency attached by ClinVar (database versions not stated): ESP Exome Variant Server 0.38690; TOPMed 0.40082; gnomAD 0.40657; 1000 Genomes Project 30x 0.43082; 1000 Genomes Project 0.43391.
gnomAD v4.1: 752,096 of 1,613,296 alleles (47%); highest among the groups gnomAD compares: East Asian, 66%; 179,402 homozygotes.

Submissions (3):

Women's Health and Genetics/Laboratory Corporation of America, LabCorp
Classification: Likely benign. Last evaluated: 2026-01-21. Review status: criteria provided, single submitter. Criteria: LabCorp Variant Classification Summary - May 2015. Collection method: clinical testing. Allele origin: germline.

Unidad de Genómica Garrahan, Hospital de Pediatría Garrahan
Classification: Benign. Last evaluated: 2024-01-24. Review status: criteria provided, single submitter. Criteria: ACMG Guidelines, 2015. Collection method: clinical testing. Allele origin: germline. Affected: no. Observed: 69 variant alleles.
Comment: This variant is classified as Benign based on local population frequency. This variant was detected in 73% of patients studied by a panel of primary immunodeficiencies. Number of patients: 69. Only high quality variants are reported.

Mayo Clinic Laboratories, Mayo Clinic
Classification: Benign. Last evaluated: 2022-04-14. Review status: criteria provided, single submitter. Criteria: ACMG Guidelines, 2015. Collection method: clinical testing. Allele origin: germline. Observed: 20 variant alleles.